The following is an entry in ClinVar:

NM_006231.4(POLE):c.2865-1G>T

Gene: POLE (DNA polymerase epsilon, catalytic subunit; minus strand). Cytogenetic location: 12q24.33.
Variant type: single nucleotide variant.
Coding change: c.2865-1G>T on transcript NM_006231.4 (MANE Select); the canonical splice acceptor site of the intron before coding-DNA position 2865, G replaced by T.
Molecular consequence: splice acceptor variant.
Genome position (GRCh38, 1-based): chr12:132,661,165, C>A on the plus strand (G>T on the coding strand, the complement: POLE is on the minus strand). VCF-style: chr12-132661165-C-A. GRCh37 (hg19) VCF-style: chr12-133237751-C-A.
Identifiers: ClinVar variation 1687263 (VCV001687263.1), dbSNP rs2138692842, ClinGen allele CA387393033.

ClinVar aggregate classification (germline): Likely pathogenic (1 of 4 stars; one submission).

Conditions:
Facial dysmorphism-immunodeficiency-livedo-short stature syndrome. Also called: Facial dysmorphism, immunodeficiency, livedo, and short stature; FILS syndrome. Identifiers: Orphanet 352712, MedGen C3554576, MONDO:0014058, OMIM 615139.

Submission:

3billion
Classification: Likely pathogenic for Facial dysmorphism-immunodeficiency-livedo-short stature syndrome. Last evaluated: 2022-05-22. Review status: criteria provided, single submitter. Criteria: ACMG Guidelines, 2015. Collection method: clinical testing. Allele origin: germline. Affected: yes. Observed: 1 heterozygote.
Comment: The variant is not observed in the gnomAD v2.1.1 dataset. Canonical splice site: predicted to alter splicing and result in a loss or disruption of normal protein function. Multiple pathogenic loss-of-function variants are reported downstream of the variant. Therefore, this variant is classified as likely pathogenic according to the recommendation of ACMG/AMP guideline.